The following is an entry in ClinVar:

ClinVar aggregate classification (germline): Uncertain significance (1 of 4 stars; one submission).

Conditions:
Familial adenomatous polyposis 1 (FAP1). Also called: FAMILIAL ADENOMATOUS POLYPOSIS 1, ATTENUATED; POLYPOSIS, ADENOMATOUS INTESTINAL. Identifiers: MedGen C2713442, MONDO:0021056, OMIM 175100. Disease mechanism: loss of function.

Submission:

Labcorp Genetics (formerly Invitae), Labcorp
Classification: Uncertain significance for Familial adenomatous polyposis 1. Last evaluated: 2025-01-07. Review status: criteria provided, single submitter. Criteria: Invitae Variant Classification Sherloc (09022015). Collection method: clinical testing. Allele origin: germline.
Comment: This sequence change replaces lysine, which is basic and polar, with arginine, which is basic and polar, at codon 1628 of the APC protein (p.Lys1628Arg). This variant is not present in population databases (gnomAD no frequency). This variant has not been reported in the literature in individuals affected with APC-related conditions. Invitae Evidence Modeling of protein sequence and biophysical properties (such as structural, functional, and spatial information, amino acid conservation, physicochemical variation, residue mobility, and thermodynamic stability) indicates that this missense variant is not expected to disrupt APC protein function with a negative predictive value of 95%. In summary, the available evidence is currently insufficient to determine the role of this variant in disease. Therefore, it has been classified as a Variant of Uncertain Significance.

NM_000038.6(APC):c.4883A>G (p.Lys1628Arg)

Gene: APC (APC regulator of Wnt signaling pathway; plus strand). Cytogenetic location: 5q22.2.
Variant type: single nucleotide variant.
Coding change: c.4883A>G on transcript NM_000038.6 (MANE Select); coding-DNA position 4883, A replaced by G.
Protein change: p.Lys1628Arg; replaces lysine 1628 with arginine.
Molecular consequence: missense variant. On other transcripts: non-coding transcript variant (2).
Genome position (GRCh38, 1-based): chr5:112,840,477, A>G. VCF-style: chr5-112840477-A-G. GRCh37 (hg19) VCF-style: chr5-112176174-A-G.
Other names: c.4610A>G, p.Lys1537Arg (NM_001354902.2); c.4580A>G, p.Lys1527Arg (NM_001354903.2, NM_001407458.1, NM_001407459.1 and 1 more transcripts); c.4505A>G, p.Lys1502Arg (NM_001354904.2); c.4883A>G, p.Lys1628Arg (NM_001127510.3, NM_001354895.2, NM_001407450.1); c.4829A>G, p.Lys1610Arg (NM_001127511.3); c.4403A>G, p.Lys1468Arg (NM_001354905.2); c.4034A>G, p.Lys1345Arg (NM_001354906.2, NM_001407470.1); c.4937A>G, p.Lys1646Arg (NM_001354896.2, NM_001407447.1, NM_001407448.1 and 1 more transcripts); and 11 more; short protein forms K1244R, K1499R, K1502R, K1569R, K1527R, K1545R, K1600R, K1603R.
Identifiers: ClinVar variation 3668219 (VCV003668219.2).